The following is an entry in ClinVar:

NM_001204.7(BMPR2):c.1922del (p.His641fs)

Gene: BMPR2 (bone morphogenetic protein receptor type 2; plus strand). Cytogenetic location: 2q33.2.
Variant type: Deletion.
Coding change: c.1922del on transcript NM_001204.7 (MANE Select); coding-DNA position 1922, one base deleted (A; older notation c.1922delA).
Protein change: p.His641fs; shifts the reading frame from histidine 641.
Molecular consequence: frameshift variant.
Genome position (GRCh38, 1-based): chr2:202,555,587, A deleted. VCF-style (leftmost placement, unchanged base first): chr2-202555586-CA-C. GRCh37 (hg19) VCF-style: chr2-203420309-CA-C.
Other names: short protein forms H641fs.
Identifiers: ClinVar variation 2018675 (VCV002018675.4), dbSNP rs2468742542, ClinGen allele CA2580065455.

ClinVar aggregate classification (germline): Pathogenic (1 of 4 stars; one submission).

Conditions:
Primary pulmonary hypertension. Also called: Idiopathic pulmonary hypertension. Identifiers: MedGen C0152171.

Submission:

Labcorp Genetics (formerly Invitae), Labcorp
Classification: Pathogenic for Primary pulmonary hypertension. Last evaluated: 2023-10-22. Review status: criteria provided, single submitter. Criteria: Invitae Variant Classification Sherloc (09022015). Collection method: clinical testing. Allele origin: germline.
Comment: This sequence change creates a premature translational stop signal (p.His641Leufs*18) in the BMPR2 gene. It is expected to result in an absent or disrupted protein product. Loss-of-function variants in BMPR2 are known to be pathogenic (PMID: 16429395). This variant is not present in population databases (gnomAD no frequency). This variant has not been reported in the literature in individuals affected with BMPR2-related conditions. ClinVar contains an entry for this variant (Variation ID: 2018675). For these reasons, this variant has been classified as Pathogenic.

Literature cited by the submitters: PubMed 16429395.